The following is an entry in ClinVar:

NC_000023.11:g.(?_100402504)_(100402871_?)del

Gene: PCDH19 (protocadherin 19; minus strand). Cytogenetic location: Xq22.1.
Variant type: Deletion.
Identifiers: ClinVar variation 831979 (VCV000831979.8).

ClinVar aggregate classification (germline): Pathogenic (1 of 4 stars; one submission).

Conditions:
Developmental and epileptic encephalopathy, 9 (DEE9). Also called: PCDH19-Related X-Linked Female-Limited Epilepsy with Mental Retardation; EPILEPSY, FEMALE-RESTRICTED, WITH MENTAL RETARDATION; JUBERG-HELLMAN SYNDROME; Early infantile epileptic encephalopathy 9. Identifiers: Orphanet 101039, Orphanet 2076, MedGen C1848137, MONDO:0010246, OMIM 300088. Disease mechanism: loss of function.

Submission:

Labcorp Genetics (formerly Invitae), Labcorp
Classification: Pathogenic for Developmental and epileptic encephalopathy, 9. Last evaluated: 2023-07-07. Review status: criteria provided, single submitter. Criteria: Invitae Variant Classification Sherloc (09022015). Collection method: clinical testing. Allele origin: germline.
Comment: This variant is a gross deletion of the genomic region encompassing exon(s) 3 of the PCDH19 gene. This deletion is out-of-frame, and is expected to create a premature termination codon and result in an absent or disrupted protein product. Loss-of-function variants in PCDH19 are known to be pathogenic (PMID: 21053371). This variant has not been reported in the literature in individuals affected with PCDH19-related conditions. For these reasons, this variant has been classified as Pathogenic.

Literature cited by the submitters: PubMed 21053371.